The following is an entry in ClinVar:

NM_198253.3(TERT):c.2130+3G>A

Gene: TERT (telomerase reverse transcriptase; minus strand). Cytogenetic location: 5p15.33.
Variant type: single nucleotide variant.
Coding change: c.2130+3G>A on transcript NM_198253.3 (MANE Select); 3 bases into the intron after coding-DNA position 2130, G replaced by A.
Molecular consequence: intron variant.
Genome position (GRCh38, 1-based): chr5:1,279,288, C>T on the plus strand (G>A on the coding strand, the complement: TERT is on the minus strand). VCF-style: chr5-1279288-C-T. GRCh37 (hg19) VCF-style: chr5-1279403-C-T.
Other names: c.2130+3G>A (NM_198253.2, NM_001193376.3).
Identifiers: ClinVar variation 1389099 (VCV001389099.7), dbSNP rs2126641610, ClinGen allele CA2573138572.

ClinVar aggregate classification (germline): Uncertain significance. Review status: criteria provided, multiple submitters, no conflicts (2 of 4 stars). 2 submissions from 2 submitters: Uncertain significance (2). Last evaluated 2026-04-22.

Conditions:
Dyskeratosis congenita. Identifiers: Orphanet 1775, MedGen C0265965, MONDO:0015780.
Idiopathic Pulmonary Fibrosis. Also called: Idiopathic fibrosing alveolitis, chronic form; idiopathic fibrosing alveolitis. Identifiers: Orphanet 2032, MedGen C1800706, MeSH D054990, MONDO:0800504.
Dyskeratosis congenita, autosomal dominant 2. Identifiers: MedGen C3151443, MONDO:0013521, OMIM 613989.

Allele frequency attached by ClinVar (database versions not stated): gnomAD exomes below 0.00001.
gnomAD v4.1: 1 of 1,575,868 alleles (0.000063%); highest among the groups gnomAD compares: Non-Finnish European, 0.000086%; no homozygotes.

Submissions (2):

Ambry Genetics
Classification: Uncertain significance for Dyskeratosis congenita. Last evaluated: 2026-04-22. Review status: criteria provided, single submitter. Criteria: Ambry Variant Classification Scheme 2023. Collection method: clinical testing. Allele origin: germline.
Comment: The c.2130+3G>A intronic variant results from a G to A substitution 3 nucleotides after coding exon 5 in the TERT gene. This nucleotide position is well conserved in available vertebrate species. In silico splice site analysis predicts that this alteration will not have any significant effect on splicing. Based on the available evidence, the clinical significance of this variant remains unclear.

Labcorp Genetics (formerly Invitae), Labcorp
Classification: Uncertain significance for Dyskeratosis congenita, autosomal dominant 2; Idiopathic Pulmonary Fibrosis. Last evaluated: 2021-10-24. Review status: criteria provided, single submitter. Criteria: Invitae Variant Classification Sherloc (09022015). Collection method: clinical testing. Allele origin: germline.
Comment: In summary, the available evidence is currently insufficient to determine the role of this variant in disease. Therefore, it has been classified as a Variant of Uncertain Significance. Variants that disrupt the consensus splice site are a relatively common cause of aberrant splicing (PMID: 17576681, 9536098). Algorithms developed to predict the effect of sequence changes on RNA splicing suggest that this variant may create or strengthen a splice site. This variant has not been reported in the literature in individuals affected with TERT-related conditions. This variant is not present in population databases (gnomAD no frequency). This sequence change falls in intron 5 of the TERT gene. It does not directly change the encoded amino acid sequence of the TERT protein. It affects a nucleotide within the consensus splice site.

Literature cited by the submitters: PubMed 17576681 (cited by Labcorp Genetics (formerly Invitae), Labcorp); PubMed 9536098 (cited by Labcorp Genetics (formerly Invitae), Labcorp).